The following is an entry in ClinVar:

ClinVar aggregate classification (germline): Uncertain significance (1 of 4 stars; one submission).

Conditions:
Idiopathic generalized epilepsy. Also called: EIG; Generalised epilepsy. Identifiers: MedGen C0270850, MONDO:0005579, OMIM 600669.
Hyperaldosteronism, familial, type IV (HALD4). Also called: FH IV; ALDOSTERONISM, PRIMARY, AND HYPERTENSION. Identifiers: Orphanet 642671, MedGen C4310756, MONDO:0014875, OMIM 617027.

gnomAD v4.1: 3 of 1,612,726 alleles (0.00019%); highest among the groups gnomAD compares: East Asian, 0.0022%; no homozygotes.

Submission:

Labcorp Genetics (formerly Invitae), Labcorp
Classification: Uncertain significance for Idiopathic generalized epilepsy; Hyperaldosteronism, familial, type IV. Last evaluated: 2025-11-02. Review status: criteria provided, single submitter. Criteria: Invitae Variant Classification Sherloc (09022015). Collection method: clinical testing. Allele origin: germline.
Comment: This sequence change replaces serine, which is neutral and polar, with glycine, which is neutral and non-polar, at codon 2285 of the CACNA1H protein (p.Ser2285Gly). This variant is not present in population databases (gnomAD no frequency). This variant has not been reported in the literature in individuals affected with CACNA1H-related conditions. Invitae Evidence Modeling of protein sequence and biophysical properties (such as structural, functional, and spatial information, amino acid conservation, physicochemical variation, residue mobility, and thermodynamic stability) indicates that this missense variant is not expected to disrupt CACNA1H protein function with a negative predictive value of 95%. In summary, the available evidence is currently insufficient to determine the role of this variant in disease. Therefore, it has been classified as a Variant of Uncertain Significance.

NM_021098.3(CACNA1H):c.6853A>G (p.Ser2285Gly)

Gene: CACNA1H (calcium voltage-gated channel subunit alpha1 H; plus strand). Cytogenetic location: 16p13.3.
Variant type: single nucleotide variant.
Coding change: c.6853A>G on transcript NM_021098.3 (MANE Select); coding-DNA position 6853, A replaced by G.
Protein change: p.Ser2285Gly; replaces serine 2285 with glycine.
Molecular consequence: missense variant.
Genome position (GRCh38, 1-based): chr16:1,220,785, A>G. VCF-style: chr16-1220785-A-G. GRCh37 (hg19) VCF-style: chr16-1270785-A-G.
Other names: c.6835A>G, p.Ser2279Gly (NM_001005407.2); short protein forms S2279G, S2285G.
Identifiers: ClinVar variation 4793980 (VCV004793980.1).